The following is an entry in ClinVar:

NM_004252.5(NHERF1):c.325_326delinsTT (p.Glu109Leu)

Genes: NHERF1 (NHERF family PDZ scaffold protein 1; plus strand), SLC9A3R1-AS1 (SLC9A3R1 antisense RNA 1; minus strand). Cytogenetic location: 17q25.1.
Variant type: Indel.
Coding change: c.325_326delinsTT on transcript NM_004252.5 (MANE Select); coding-DNA positions 325 to 326, GA replaced by TT.
Protein change: p.Glu109Leu; replaces glutamic acid 109 with leucine.
Molecular consequence: missense variant. On other transcripts: non-coding transcript variant (1).
Genome position (GRCh38, 1-based): chr17:74,749,171-74,749,172, GA replaced by TT. VCF-style: chr17-74749171-GA-TT. GRCh37 (hg19) VCF-style: chr17-72745310-GA-TT.
Other names: short protein forms E109L.
Identifiers: ClinVar variation 2893494 (VCV002893494.3), dbSNP rs2509890731, ClinGen allele CA2739268348.

ClinVar aggregate classification (germline): Uncertain significance (1 of 4 stars; one submission).

Submission:

Labcorp Genetics (formerly Invitae), Labcorp
Classification: Uncertain significance. Last evaluated: 2025-12-01. Review status: criteria provided, single submitter. Criteria: Invitae Variant Classification Sherloc (09022015). Collection method: clinical testing. Allele origin: germline.
Comment: This sequence change replaces glutamic acid, which is acidic and polar, with leucine, which is neutral and non-polar, at codon 109 of the SLC9A3R1 protein (p.Glu109Leu). This variant is present in population databases (no rsID available, gnomAD 0.05%), and has an allele count higher than expected for a pathogenic variant. This variant has not been reported in the literature in individuals affected with SLC9A3R1-related conditions. ClinVar contains an entry for this variant (Variation ID: 2893494). An algorithm developed to predict the effect of missense changes on protein structure and function (PolyPhen-2) suggests that this variant is likely to be disruptive. In summary, the available evidence is currently insufficient to determine the role of this variant in disease. Therefore, it has been classified as a Variant of Uncertain Significance.